The following is an entry in ClinVar:

NM_007272.3(CTRC):c.143A>G (p.Gln48Arg)

Gene: CTRC (chymotrypsin C; plus strand). Cytogenetic location: 1p36.21.
Variant type: single nucleotide variant.
Coding change: c.143A>G on transcript NM_007272.3 (MANE Select); coding-DNA position 143, A replaced by G.
Protein change: p.Gln48Arg; replaces glutamine 48 with arginine.
Molecular consequence: missense variant.
Genome position (GRCh38, 1-based): chr1:15,440,503, A>G. VCF-style: chr1-15440503-A-G. GRCh37 (hg19) VCF-style: chr1-15766999-A-G.
Other names: short protein forms Q48R.
Identifiers: ClinVar variation 1042277 (VCV001042277.12), dbSNP rs536812916, ClinGen allele CA613238.

ClinVar aggregate classification (germline): Uncertain significance. Review status: criteria provided, multiple submitters, no conflicts (2 of 4 stars). 3 submissions from 3 submitters: Uncertain significance (3). Last evaluated 2026-04-30.

Conditions:
Hereditary pancreatitis (PCTT). Also called: Hereditary chronic pancreatitis; PRSS1-Related Hereditary Pancreatitis. Identifiers: Orphanet 676, MedGen C0238339, MONDO:0008185, OMIM 167800.

Allele frequency attached by ClinVar (database versions not stated): TOPMed 0.00004; gnomAD exomes 0.00010 and 0.00005; 1000 Genomes Project 0.00040; 1000 Genomes Project 30x 0.00047; gnomAD 0.00006 and 0.00001; ExAC 0.00011.

Submissions (3):

Ambry Genetics
Classification: Uncertain significance for Hereditary pancreatitis. Last evaluated: 2026-04-30. Review status: criteria provided, single submitter. Criteria: Ambry Variant Classification Scheme 2023. Collection method: clinical testing. Allele origin: germline.
Comment: The c.143A>G (p.Q48R) alteration is located in exon 3 (coding exon 3) of the CTRC gene. This alteration results from a A to G substitution at nucleotide position 143, causing the glutamine (Q) at amino acid position 48 to be replaced by an arginine (R). Based on data from gnomAD, the G allele has an overall frequency of 0.01% (26/251398) total alleles studied. The highest observed frequency was 0.062% (19/30604) of South Asian alleles. Based on insufficient or conflicting evidence, the clinical significance of this alteration remains unclear.

Labcorp Genetics (formerly Invitae), Labcorp
Classification: Uncertain significance for Hereditary pancreatitis. Last evaluated: 2025-01-28. Review status: criteria provided, single submitter. Criteria: Invitae Variant Classification Sherloc (09022015). Collection method: clinical testing. Allele origin: germline.
Comment: This sequence change replaces glutamine, which is neutral and polar, with arginine, which is basic and polar, at codon 48 of the CTRC protein (p.Gln48Arg). This variant is present in population databases (rs536812916, gnomAD 0.06%), and has an allele count higher than expected for a pathogenic variant. This missense change has been observed in individual(s) with chronic pancreatitis (PMID: 18059268, 22580415, 22942235). ClinVar contains an entry for this variant (Variation ID: 1042277). Invitae Evidence Modeling of protein sequence and biophysical properties (such as structural, functional, and spatial information, amino acid conservation, physicochemical variation, residue mobility, and thermodynamic stability) has been performed for this missense variant. However, the output from this modeling did not meet the statistical confidence thresholds required to predict the impact of this variant on CTRC protein function. Experimental studies have shown that this missense change affects CTRC function (PMID: 18059268, 22942235). In summary, the available evidence is currently insufficient to determine the role of this variant in disease. Therefore, it has been classified as a Variant of Uncertain Significance.

Fulgent Genetics
Classification: Uncertain significance for Hereditary pancreatitis. Last evaluated: 2024-02-29. Review status: criteria provided, single submitter. Criteria: ACMG Guidelines, 2015. Collection method: clinical testing. Allele origin: germline.

Literature cited by the submitters: PubMed 18059268 (cited by Labcorp Genetics (formerly Invitae), Labcorp); PubMed 22580415 (cited by Labcorp Genetics (formerly Invitae), Labcorp); PubMed 22942235 (cited by Labcorp Genetics (formerly Invitae), Labcorp).